The following is an entry in ClinVar:

NM_018367.7(ACER3):c.634A>G (p.Ile212Val)

Gene: ACER3 (alkaline ceramidase 3; plus strand). Cytogenetic location: 11q13.5.
Variant type: single nucleotide variant.
Coding change: c.634A>G on transcript NM_018367.7 (MANE Select); coding-DNA position 634, A replaced by G.
Protein change: p.Ile212Val; replaces isoleucine 212 with valine.
Molecular consequence: missense variant.
Genome position (GRCh38, 1-based): chr11:77,016,709, A>G. VCF-style: chr11-77016709-A-G. GRCh37 (hg19) VCF-style: chr11-76727753-A-G.
Other names: c.523A>G, p.Ile175Val (NM_001300953.2); c.349A>G, p.Ile117Val (NM_001300954.2, NM_001300955.2); short protein forms I117V, I212V, I175V.
Identifiers: ClinVar variation 3710035 (VCV003710035.2).

ClinVar aggregate classification (germline): Uncertain significance (1 of 4 stars; one submission).

gnomAD v4.1: 1 of 1,602,626 alleles (0.000062%); highest among the groups gnomAD compares: South Asian, 0.0011%; no homozygotes.

Submission:

Labcorp Genetics (formerly Invitae), Labcorp
Classification: Uncertain significance. Last evaluated: 2024-10-19. Review status: criteria provided, single submitter. Criteria: Invitae Variant Classification Sherloc (09022015). Collection method: clinical testing. Allele origin: germline.
Comment: This sequence change replaces isoleucine, which is neutral and non-polar, with valine, which is neutral and non-polar, at codon 212 of the ACER3 protein (p.Ile212Val). This variant is not present in population databases (gnomAD no frequency). This variant has not been reported in the literature in individuals affected with ACER3-related conditions. Invitae Evidence Modeling of protein sequence and biophysical properties (such as structural, functional, and spatial information, amino acid conservation, physicochemical variation, residue mobility, and thermodynamic stability) indicates that this missense variant is not expected to disrupt ACER3 protein function with a negative predictive value of 80%. In summary, the available evidence is currently insufficient to determine the role of this variant in disease. Therefore, it has been classified as a Variant of Uncertain Significance.